The following is an entry in ClinVar:

NM_001367624.2(ZNF469):c.10181C>T (p.Pro3394Leu)

Gene: ZNF469 (zinc finger protein 469; plus strand). Cytogenetic location: 16q24.2.
Variant type: single nucleotide variant.
Coding change: c.10181C>T on transcript NM_001367624.2 (MANE Select); coding-DNA position 10181, C replaced by T.
Protein change: p.Pro3394Leu; replaces proline 3394 with leucine.
Molecular consequence: missense variant.
Genome position (GRCh38, 1-based): chr16:88,437,651, C>T. VCF-style: chr16-88437651-C-T. GRCh37 (hg19) VCF-style: chr16-88504059-C-T.
Other names: NM_001127464.1:c.10097C>T; short protein forms P3394L.
Identifiers: ClinVar variation 1405530 (VCV001405530.5), dbSNP rs1906689587, ClinGen allele CA397126004.

ClinVar aggregate classification (germline): Conflicting classifications of pathogenicity. Review status: criteria provided, conflicting classifications (1 of 4 stars). 2 submissions from 2 submitters: Uncertain significance (1); Likely benign (1). Last evaluated 2022-09-07.

Conditions:
Cardiovascular phenotype. Identifiers: MedGen CN230736.

Allele frequency attached by ClinVar (database versions not stated): TOPMed below 0.00001; gnomAD 0.00001; gnomAD exomes 0.00001.
gnomAD v4.1: 9 of 1,544,320 alleles (0.00058%); highest among the groups gnomAD compares: Non-Finnish European, 0.00079%; no homozygotes.

Submissions (2):

Labcorp Genetics (formerly Invitae), Labcorp
Classification: Uncertain significance. Last evaluated: 2022-09-07. Review status: criteria provided, single submitter. Criteria: Invitae Variant Classification Sherloc (09022015). Collection method: clinical testing. Allele origin: germline.
Comment: This sequence change replaces proline, which is neutral and non-polar, with leucine, which is neutral and non-polar, at codon 3366 of the ZNF469 protein (p.Pro3366Leu). This variant is not present in population databases (gnomAD no frequency). This variant has not been reported in the literature in individuals affected with ZNF469-related conditions. ClinVar contains an entry for this variant (Variation ID: 1405530). Algorithms developed to predict the effect of missense changes on protein structure and function output the following: SIFT: "Tolerated"; PolyPhen-2: "Benign"; Align-GVGD: "Class C0". The leucine amino acid residue is found in multiple mammalian species, which suggests that this missense change does not adversely affect protein function. In summary, the available evidence is currently insufficient to determine the role of this variant in disease. Therefore, it has been classified as a Variant of Uncertain Significance.

Ambry Genetics
Classification: Likely benign for Cardiovascular phenotype. Last evaluated: 2021-12-16. Review status: criteria provided, single submitter. Criteria: Ambry Variant Classification Scheme 2023. Collection method: clinical testing. Allele origin: germline.